The following is an entry in ClinVar:

NM_000552.5(VWF):c.2107C>T (p.Pro703Ser)

Gene: VWF (von Willebrand factor; minus strand). Cytogenetic location: 12p13.31.
Variant type: single nucleotide variant.
Coding change: c.2107C>T on transcript NM_000552.5 (MANE Select); coding-DNA position 2107, C replaced by T.
Protein change: p.Pro703Ser; replaces proline 703 with serine.
Molecular consequence: missense variant.
Genome position (GRCh38, 1-based): chr12:6,052,622, G>A on the plus strand (C>T on the coding strand, the complement: VWF is on the minus strand). VCF-style: chr12-6052622-G-A. GRCh37 (hg19) VCF-style: chr12-6161788-G-A.
Other names: short protein forms P703S.
Identifiers: ClinVar variation 3468905 (VCV003468905.2).

ClinVar aggregate classification (germline): Uncertain significance. Review status: criteria provided, multiple submitters, no conflicts (2 of 4 stars). 2 submissions from 2 submitters: Uncertain significance (2). Last evaluated 2025-05-07.

Conditions:
Inborn genetic diseases. Identifiers: MedGen C0950123, MeSH D030342.

gnomAD v4.1: 6 of 1,614,260 alleles (0.00037%); highest among the groups gnomAD compares: Middle Eastern, 0.016%; no homozygotes.

Submissions (2):

GeneDx
Classification: Uncertain significance. Last evaluated: 2025-05-07. Review status: criteria provided, single submitter. Criteria: GeneDx Variant Classification Process June 2021. Collection method: clinical testing. Allele origin: germline. Affected: yes.
Comment: Not observed at significant frequency in large population cohorts (gnomAD); In silico analysis supports that this missense variant has a deleterious effect on protein structure/function; Has not been previously published as pathogenic or benign to our knowledge

Ambry Genetics
Classification: Uncertain significance for Inborn genetic diseases. Last evaluated: 2024-06-28. Review status: criteria provided, single submitter. Criteria: Ambry Variant Classification Scheme 2023. Collection method: clinical testing. Allele origin: germline.